The following is an entry in ClinVar:

NM_021926.4(ALX4):c.918G>A (p.Pro306=)

Gene: ALX4 (ALX homeobox 4; minus strand). Cytogenetic location: 11p11.2.
Variant type: single nucleotide variant.
Coding change: c.918G>A on transcript NM_021926.4 (MANE Select); coding-DNA position 918, G replaced by A.
Protein change: p.Pro306=; no amino-acid change (proline 306 retained).
Molecular consequence: synonymous variant.
Genome position (GRCh38, 1-based): chr11:44,265,172, C>T on the plus strand (G>A on the coding strand, the complement: ALX4 is on the minus strand). VCF-style: chr11-44265172-C-T. GRCh37 (hg19) VCF-style: chr11-44286722-C-T.
Identifiers: ClinVar variation 710007 (VCV000710007.11), dbSNP rs145904583, ClinGen allele CA5955574.

ClinVar aggregate classification (germline): Benign. Review status: criteria provided, multiple submitters, no conflicts (2 of 4 stars). 3 submissions from 3 submitters: Benign (3). Last evaluated 2025-12-30.

Conditions:
Parietal foramina 2 (PFM2). Identifiers: Orphanet 60015, MedGen C1865044, MONDO:0012309, OMIM 609597.

Allele frequency attached by ClinVar (database versions not stated): ExAC 0.00272; gnomAD 0.00731; TOPMed 0.00750; ESP Exome Variant Server 0.00825; 1000 Genomes Project 0.00938; 1000 Genomes Project 30x 0.01031.
gnomAD v4.1: 2,336 of 1,603,294 alleles (0.15%); highest among the groups gnomAD compares: African/African-American, 2.5%; 35 homozygotes.

Submissions (3):

Labcorp Genetics (formerly Invitae), Labcorp
Classification: Benign. Last evaluated: 2025-12-30. Review status: criteria provided, single submitter. Criteria: Invitae Variant Classification Sherloc (09022015). Collection method: clinical testing. Allele origin: germline.

Illumina Laboratory Services, Illumina
Classification: Benign for Parietal foramina 2. Last evaluated: 2018-01-13. Review status: criteria provided, single submitter. Criteria: ICSL Variant Classification Criteria 13 December 2019. Collection method: clinical testing. Allele origin: germline.
Comment: This variant was observed in the ICSL laboratory as part of a predisposition screen in an ostensibly healthy population. It had not been previously curated by ICSL or reported in the Human Gene Mutation Database (HGMD: prior to June 1st, 2018), and was therefore a candidate for classification through an automated scoring system. Utilizing variant allele frequency, disease prevalence and penetrance estimates, and inheritance mode, an automated score was calculated to assess if this variant is too frequent to cause the disease. Based on the score and internal cut-off values, a variant classified as benign is not then subjected to further curation. The score for this variant resulted in a classification of benign for this disease.

Breakthrough Genomics
Classification: Benign. Review status: criteria provided, single submitter. Criteria: ACMG Guidelines, 2015. Collection method: not provided. Allele origin: germline. Inheritance: Autosomal recessive inheritance. Affected: yes.